The following is an entry in ClinVar:

NM_002608.4(PDGFB):c.-373C>G

Gene: PDGFB (platelet derived growth factor subunit B; minus strand). Cytogenetic location: 22q13.1.
Variant type: single nucleotide variant.
Coding change: c.-373C>G on transcript NM_002608.4 (MANE Select); 373 bases upstream of the start codon, C replaced by G.
Molecular consequence: 5 prime UTR variant.
Genome position (GRCh38, 1-based): chr22:39,244,336, G>C on the plus strand (C>G on the coding strand, the complement: PDGFB is on the minus strand). VCF-style: chr22-39244336-G-C. GRCh37 (hg19) VCF-style: chr22-39640341-G-C.
Identifiers: ClinVar variation 2920727 (VCV002920727.3), dbSNP rs1390541592, ClinGen allele CA2739267978.
Genomic context (GRCh38, chr22:39,244,336, plus strand): 5'-TAGCCGTGTGGGGGCGCCCAGGGGACTCCAACCTCCAAGAGGAAAAGGAACACGGCAGTC[G>C]ATGGTTCGTCTTCACTCGCCGGCTACAGGCGTTTTCCTCTGCCCGCCGGCTTAGCTTTTT-3'

ClinVar aggregate classification (germline): Likely pathogenic (1 of 4 stars; one submission).

Conditions:
Basal ganglia calcification, idiopathic, 5. Also called: PRIMARY FAMILIAL BRAIN CALCIFICATION 5, AUTOSOMAL DOMINANT. Identifiers: Orphanet 1980, MedGen C3809645, MONDO:0014204, OMIM 615483.

Submission:

Department of Genetics, Rouen University Hospital, Normandy Center for Genomic and Personalized Medicine
Classification: Likely pathogenic for Basal ganglia calcification, idiopathic, 5. Last evaluated: 2024-02-12. Review status: criteria provided, single submitter. Criteria: ACMG Guidelines, 2015. Collection method: clinical testing, in vitro. Allele origin: paternal, not applicable. Inheritance: Autosomal dominant inheritance. Affected: yes. Observed: 1 heterozygote. Functional consequence: Decreased function.
Comment: PS3, PM2, PP1, PP4